The following is an entry in ClinVar:

NM_001375978.1(CHRM3):c.1059C>T (p.Asp353=)

Gene: CHRM3 (cholinergic receptor muscarinic 3; plus strand). Cytogenetic location: 1q43.
Variant type: single nucleotide variant.
Coding change: c.1059C>T on transcript NM_001375978.1 (MANE Select); coding-DNA position 1059, C replaced by T.
Protein change: p.Asp353=; no amino-acid change (aspartic acid 353 retained).
Molecular consequence: synonymous variant.
Genome position (GRCh38, 1-based): chr1:239,908,510, C>T. VCF-style: chr1-239908510-C-T. GRCh37 (hg19) VCF-style: chr1-240071810-C-T.
Other names: c.1059C>T (NM_000740.3); c.1059C>T, p.Asp353= (NM_000740.4, NM_001347716.2, NM_001375979.1 and 6 more transcripts).
Identifiers: ClinVar variation 708305 (VCV000708305.14), dbSNP rs139009806, ClinGen allele CA1475867.
Genomic context (GRCh38, chr1:239,908,510, plus strand): 5'-CAGTGACAGTTGGAACAACAATGATGCTGCTGCCTCCCTGGAGAACTCCGCCTCCTCCGA[C>T]GAGGAGGACATTGGCTCCGAGACGAGAGCCATCTACTCCATCGTGCTCAAGCTTCCGGGT-3'
Protein context (NP_001362907.1, residues 343-363): AASLENSASS[Asp353=]EEDIGSETRA

ClinVar aggregate classification (germline): Likely benign. Review status: criteria provided, multiple submitters, no conflicts (2 of 4 stars). 3 submissions from 3 submitters: Likely benign (2). 1 of the submissions does not count toward it. Last evaluated 2026-08-01.

Conditions:
CHRM3-related disorder. Also called: CHRM3-related condition.

Allele frequency attached by ClinVar (database versions not stated): 1000 Genomes Project 0.00040; 1000 Genomes Project 30x 0.00062; gnomAD exomes 0.00116; ExAC 0.00118; gnomAD 0.00120 and 0.00123; ESP Exome Variant Server 0.00123; TOPMed 0.00137.
gnomAD v4.1: 2,576 of 1,598,936 alleles (0.16%); highest among the groups gnomAD compares: Admixed American, 0.26%; 2 homozygotes.

Submissions (3):

CeGaT Center for Human Genetics Tuebingen
Classification: Likely benign. Last evaluated: 2026-08-01. Review status: criteria provided, single submitter. Criteria: CeGaT Center For Human Genetics Tuebingen Variant Classification Criteria Version 2. Collection method: clinical testing. Allele origin: germline. Affected: yes. Observed: 3 variant alleles.
Comment: CHRM3: BP4, BP7

Labcorp Genetics (formerly Invitae), Labcorp
Classification: Likely benign. Last evaluated: 2025-12-06. Review status: criteria provided, single submitter. Criteria: Invitae Variant Classification Sherloc (09022015). Collection method: clinical testing. Allele origin: germline.

PreventionGenetics, part of Exact Sciences
Classification: Likely benign for CHRM3-related condition. Last evaluated: 2024-06-05. Review status: no assertion criteria provided. Collection method: clinical testing. Allele origin: germline. Not counted in ClinVar's aggregate classification.
Comment: This variant is classified as likely benign based on ACMG/AMP sequence variant interpretation guidelines (Richards et al. 2015 PMID: 25741868, with internal and published modifications).